The following is an entry in ClinVar:

ClinVar aggregate classification (germline): Pathogenic (1 of 4 stars; one submission).

Conditions:
Fanconi anemia (FA). Also called: Fanconi's anemia. Identifiers: Orphanet 84, MedGen C0015625, MeSH D005199, MONDO:0019391.

Submission:

Labcorp Genetics (formerly Invitae), Labcorp
Classification: Pathogenic for Fanconi anemia. Last evaluated: 2022-08-27. Review status: criteria provided, single submitter. Criteria: Invitae Variant Classification Sherloc (09022015). Collection method: clinical testing. Allele origin: germline.
Comment: This sequence change affects the initiator methionine of the FANCA mRNA. The next in-frame methionine is located at codon 116. For these reasons, this variant has been classified as Pathogenic. Disruption of the initiator codon has been observed in individuals with Fanconia anemia (PMID: 10090479, 15643609, 16084127, 23898106, 24584348, 29098742). This variant is not present in population databases (gnomAD no frequency).

Literature cited by the submitters: PubMed 10090479; PubMed 15643609; PubMed 16084127; PubMed 23898106; PubMed 24584348; PubMed 29098742.

NM_000135.4(FANCA):c.1del (p.Met1fs)

Genes: FANCA (FA complementation group A; minus strand), LOC112486223 (Sharpr-MPRA regulatory region 3988; plus strand). Cytogenetic location: 16q24.3.
Variant type: Deletion.
Coding change: c.1del on transcript NM_000135.4 (MANE Select); coding-DNA position 1, one base deleted (A; older notation c.1delA).
Protein change: p.Met1fs; shifts the reading frame from methionine 1.
Molecular consequence: frameshift variant, initiator codon variant.
Genome position (GRCh38, 1-based): chr16:89,816,615, T deleted on the plus strand (A on the coding strand, the reverse complement: FANCA is on the minus strand). VCF-style (leftmost placement, unchanged base first): chr16-89816614-AT-A. GRCh37 (hg19) VCF-style: chr16-89883022-AT-A.
Other names: c.1del, p.Met1fs (NM_001018112.3, NM_001286167.3, NM_001351830.2); short protein forms M1fs.
Identifiers: ClinVar variation 2152268 (VCV002152268.5), dbSNP rs2544395419, ClinGen allele CA2580092356.